The following is an entry in ClinVar:

NM_001130144.3(LTBP3):c.1056C>G (p.His352Gln)

Gene: LTBP3 (latent transforming growth factor beta binding protein 3; minus strand). Cytogenetic location: 11q13.1.
Variant type: single nucleotide variant.
Coding change: c.1056C>G on transcript NM_001130144.3 (MANE Select); coding-DNA position 1056, C replaced by G.
Protein change: p.His352Gln; replaces histidine 352 with glutamine.
Molecular consequence: missense variant.
Genome position (GRCh38, 1-based): chr11:65,553,171, G>C on the plus strand (C>G on the coding strand, the complement: LTBP3 is on the minus strand). VCF-style: chr11-65553171-G-C. GRCh37 (hg19) VCF-style: chr11-65320642-G-C.
Other names: c.705C>G, p.His235Gln (NM_001164266.1); c.1056C>G, p.His352Gln (NM_021070.4); short protein forms H235Q, H352Q.
Identifiers: ClinVar variation 4721242 (VCV004721242.1).
Genomic context (GRCh38, chr11:65,553,171, plus strand): 5'-CAGTGATGGCTGGCCTGCCCCTCCAGCCCACAGAATCTCCTAGCTGGCCATACCCTGGCA[G>C]TGGGTGCTGTTAAGCCTCTTGTAGCCCTGGGGACAGTCAGCGCCCACTTCCCCACGTACA-3'
Protein context (NP_001123616.1, residues 342-362): PQGYKRLNST[His352Gln]CQDINECAMP

ClinVar aggregate classification (germline): Uncertain significance (1 of 4 stars; one submission).

Conditions:
Brachyolmia-amelogenesis imperfecta syndrome. Also called: PLATYSPONDYLY WITH AMELOGENESIS IMPERFECTA; Tooth agenesis, selective, 6; Dental anomalies and short stature. Identifiers: Orphanet 2899, MedGen C1832594, MONDO:0011018, OMIM 601216. Disease mechanism: loss of function.

Submission:

Labcorp Genetics (formerly Invitae), Labcorp
Classification: Uncertain significance for Brachyolmia-amelogenesis imperfecta syndrome. Last evaluated: 2025-06-11. Review status: criteria provided, single submitter. Criteria: Invitae Variant Classification Sherloc (09022015). Collection method: clinical testing. Allele origin: germline.
Comment: This sequence change replaces histidine, which is basic and polar, with glutamine, which is neutral and polar, at codon 352 of the LTBP3 protein (p.His352Gln). This variant is not present in population databases (gnomAD no frequency). This variant has not been reported in the literature in individuals affected with LTBP3-related conditions. An algorithm developed to predict the effect of missense changes on protein structure and function (PolyPhen-2) suggests that this variant is likely to be disruptive. In summary, the available evidence is currently insufficient to determine the role of this variant in disease. Therefore, it has been classified as a Variant of Uncertain Significance.